The following is an entry in ClinVar:

NM_001348323.3(TRIP12):c.5729C>G (p.Ser1910Cys)

Gene: TRIP12 (thyroid hormone receptor interactor 12; minus strand). Cytogenetic location: 2q36.3.
Variant type: single nucleotide variant.
Coding change: c.5729C>G on transcript NM_001348323.3 (MANE Select); coding-DNA position 5729, C replaced by G.
Protein change: p.Ser1910Cys; replaces serine 1910 with cysteine.
Molecular consequence: missense variant.
Genome position (GRCh38, 1-based): chr2:229,771,598, G>C on the plus strand (C>G on the coding strand, the complement: TRIP12 is on the minus strand). VCF-style: chr2-229771598-G-C. GRCh37 (hg19) VCF-style: chr2-230636314-G-C.
Other names: c.5648C>G, p.Ser1883Cys (NM_001284214.2, NM_001348315.2); c.5603C>G, p.Ser1868Cys (NM_001284215.2, NM_001348316.2); c.4694C>G, p.Ser1565Cys (NM_001284216.2); c.5588C>G, p.Ser1863Cys (NM_001348318.2, NM_001348317.1); c.5714C>G, p.Ser1905Cys (NM_001348319.1, NM_001348320.2); c.5717C>G, p.Ser1906Cys (NM_001348321.1); c.5729C>G, p.Ser1910Cys (NM_001348322.1, NM_001348324.2, NM_001348325.2 and 2 more transcripts); c.5732C>G, p.Ser1911Cys (NM_001348328.1, NM_001348329.2, NM_001348330.2); and 4 more; short protein forms S1565C, S1835C, S1836C, S1863C, S1868C, S1876C, S1883C, S1884C.
Identifiers: ClinVar variation 3376023 (VCV003376023.1).
Genomic context (GRCh38, chr2:229,771,598, plus strand): 5'-TGAAGATGACTGAGTGGGAAGACTGATTCAAATCCATCTCTGAACGAATCAAATTGCCTA[G>C]AAACGCCTTCATTTAGTGCCCAGAATATAACCAGCTGCAAAAAGAAAGTTTTCAAAAAAC-3'
Protein context (NP_001335252.1, residues 1900-1920): VIFWALNEGV[Ser1910Cys]RQFDSFRDGF

ClinVar aggregate classification (germline): Uncertain significance (1 of 4 stars; one submission).

Submission:

GeneDx
Classification: Uncertain significance. Last evaluated: 2024-05-06. Review status: criteria provided, single submitter. Criteria: GeneDx Variant Classification Process June 2021. Collection method: clinical testing. Allele origin: germline. Affected: yes.
Comment: Not observed at significant frequency in large population cohorts (gnomAD); In silico analysis indicates that this missense variant does not alter protein structure/function; Has not been previously published as pathogenic or benign to our knowledge